The following is an entry in ClinVar:

NM_000552.5(VWF):c.5522G>T (p.Gly1841Val)

Gene: VWF (von Willebrand factor; minus strand). Cytogenetic location: 12p13.31.
Variant type: single nucleotide variant.
Coding change: c.5522G>T on transcript NM_000552.5 (MANE Select); coding-DNA position 5522, G replaced by T.
Protein change: p.Gly1841Val; replaces glycine 1841 with valine.
Molecular consequence: missense variant.
Genome position (GRCh38, 1-based): chr12:6,013,579, C>A on the plus strand (G>T on the coding strand, the complement: VWF is on the minus strand). VCF-style: chr12-6013579-C-A. GRCh37 (hg19) VCF-style: chr12-6122745-C-A.
Other names: short protein forms G1841V.
Identifiers: ClinVar variation 452107 (VCV000452107.3), dbSNP rs1555194446, ClinGen allele CA383493781.

ClinVar aggregate classification (germline): Uncertain significance (1 of 4 stars; one submission).

Submission:

GeneDx
Classification: Uncertain significance. Last evaluated: 2024-12-03. Review status: criteria provided, single submitter. Criteria: GeneDx Variant Classification Process June 2021. Collection method: clinical testing. Allele origin: germline. Affected: yes.
Comment: Not observed at significant frequency in large population cohorts (gnomAD); In silico analysis indicates that this missense variant does not alter protein structure/function; Has not been previously published as pathogenic or benign to our knowledge